The following is an entry in ClinVar:

ClinVar aggregate classification (germline): Uncertain significance (1 of 4 stars; one submission).

Submission:

Labcorp Genetics (formerly Invitae), Labcorp
Classification: Uncertain significance. Last evaluated: 2023-08-08. Review status: criteria provided, single submitter. Criteria: Invitae Variant Classification Sherloc (09022015). Collection method: clinical testing. Allele origin: germline.
Comment: In summary, the available evidence is currently insufficient to determine the role of this variant in disease. Therefore, it has been classified as a Variant of Uncertain Significance. Experimental studies and prediction algorithms are not available or were not evaluated, and the functional significance of this variant is currently unknown. This variant has not been reported in the literature in individuals affected with ANLN-related conditions. Information on the frequency of this variant in the gnomAD database is not available, as this variant may be reported differently in the database. This sequence change replaces arginine, which is basic and polar, with glutamine, which is neutral and polar, at codon 185 of the ANLN protein (p.Arg185Gln).

NM_018685.5(ANLN):c.553_555delinsCAG (p.Arg185Gln)

Gene: ANLN (anillin, actin binding protein; plus strand). Cytogenetic location: 7p14.2.
Variant type: Indel.
Coding change: c.553_555delinsCAG on transcript NM_018685.5 (MANE Select); coding-DNA positions 553 to 555, AGA replaced by CAG.
Protein change: p.Arg185Gln; replaces arginine 185 with glutamine.
Molecular consequence: missense variant.
Genome position (GRCh38, 1-based): chr7:36,406,246-36,406,248, AGA replaced by CAG. VCF-style: chr7-36406246-AGA-CAG. GRCh37 (hg19) VCF-style: chr7-36445855-AGA-CAG.
Other names: c.553_555delinsCAG, p.Arg185Gln (NM_001284301.3, NM_001284302.3); short protein forms R185Q.
Identifiers: ClinVar variation 2785409 (VCV002785409.3), dbSNP rs2534532384, ClinGen allele CA2739266388.